The following is an entry in ClinVar:

NM_032790.4(ORAI1):c.37A>T (p.Ser13Cys)

Genes: ORAI1 (ORAI calcium release-activated calcium modulator 1; plus strand), LOC130008987 (ATAC-STARR-seq lymphoblastoid silent region 4981; plus strand). Cytogenetic location: 12q24.31.
Variant type: single nucleotide variant.
Coding change: c.37A>T on transcript NM_032790.4 (MANE Select); coding-DNA position 37, A replaced by T.
Protein change: p.Ser13Cys; replaces serine 13 with cysteine.
Genome position (GRCh38, 1-based): chr12:121,626,779, A>T. VCF-style: chr12-121626779-A-T. GRCh37 (hg19) VCF-style: chr12-122064684-A-T.
Other names: short protein forms S13C.
Identifiers: ClinVar variation 652118 (VCV000652118.49), dbSNP rs1290572755, ClinGen allele CA386980317.

ClinVar aggregate classification (germline): Uncertain significance. Review status: criteria provided, multiple submitters, no conflicts (2 of 4 stars). 2 submissions from 2 submitters: Uncertain significance (2). Last evaluated 2025-12-17.

Conditions:
Combined immunodeficiency due to ORAI1 deficiency. Also called: IMMUNODEFICIENCY 9. Identifiers: Orphanet 169090, Orphanet 317428, MedGen C2748568, MONDO:0013007, OMIM 612782.
Myopathy, tubular aggregate, 2 (TAM2). Identifiers: MedGen C4014557, MONDO:0014383, OMIM 615883.
Myopathy, tubular aggregate, 1 (TAM1). Identifiers: MedGen C4011726, MONDO:0024531, OMIM 160565.

Allele frequency attached by ClinVar (database versions not stated): gnomAD exomes 0.00006; TOPMed 0.00013.

Submissions (2):

Labcorp Genetics (formerly Invitae), Labcorp
Classification: Uncertain significance for Myopathy, tubular aggregate, 2; Combined immunodeficiency due to ORAI1 deficiency. Last evaluated: 2025-12-17. Review status: criteria provided, single submitter. Criteria: Invitae Variant Classification Sherloc (09022015). Collection method: clinical testing. Allele origin: germline.
Comment: This sequence change replaces serine, which is neutral and polar, with cysteine, which is neutral and slightly polar, at codon 13 of the ORAI1 protein (p.Ser13Cys). This variant is present in population databases (no rsID available, gnomAD 0.02%). This variant has not been reported in the literature in individuals affected with ORAI1-related conditions. ClinVar contains an entry for this variant (Variation ID: 652118). Experimental studies and prediction algorithms are not available or were not evaluated, and the functional significance of this variant is currently unknown. In summary, the available evidence is currently insufficient to determine the role of this variant in disease. Therefore, it has been classified as a Variant of Uncertain Significance.

CeGaT Center for Human Genetics Tuebingen
Classification: Uncertain significance. Last evaluated: 2018-09-01. Review status: criteria provided, single submitter. Criteria: CeGaT Center For Human Genetics Tuebingen Variant Classification Criteria Version 2. Collection method: clinical testing. Allele origin: germline. Affected: yes. Observed: 1 variant allele.